The following is an entry in ClinVar:

ClinVar aggregate classification (germline): Likely benign (0 of 4 stars; one submission).

Conditions:
PLXNA4-related disorder. Also called: PLXNA4-related condition.

Submission:

PreventionGenetics, part of Exact Sciences
Classification: Likely benign for PLXNA4-related condition. Last evaluated: 2024-01-23. Review status: no assertion criteria provided. Collection method: clinical testing. Allele origin: germline.
Comment: This variant is classified as likely benign based on ACMG/AMP sequence variant interpretation guidelines (Richards et al. 2015 PMID: 25741868, with internal and published modifications).

NM_020911.2(PLXNA4):c.5496C>T (p.Tyr1832=)

Gene: PLXNA4 (plexin A4; minus strand). Cytogenetic location: 7q32.3.
Variant type: single nucleotide variant.
Coding change: c.5496C>T on transcript NM_020911.2 (MANE Select); coding-DNA position 5496, C replaced by T.
Protein change: p.Tyr1832=; no amino-acid change (tyrosine 1832 retained).
Molecular consequence: synonymous variant.
Genome position (GRCh38, 1-based): chr7:132,133,142, G>A on the plus strand (C>T on the coding strand, the complement: PLXNA4 is on the minus strand). VCF-style: chr7-132133142-G-A. GRCh37 (hg19) VCF-style: chr7-131817901-G-A.
Other names: c.5496C>T, p.Tyr1832= (NM_001393897.1).
Identifiers: ClinVar variation 3349446 (VCV003349446.1).
Genomic context (GRCh38, chr7:132,133,142, plus strand): 5'-CTCTGAGAGTGCACTCATGGTGTTGAACTCATTCATGTGCATCCGGGACTGCTCAGCCAG[G>A]TATGCGTTCATGTCTTGGTCGCTGATGGCTGGCATCTTCCCTATGTCTGAGTAATACCTG-3'
Protein context (NP_065962.1, residues 1822-1842): PAISDQDMNA[Tyr1832=]LAEQSRMHMN